The following is an entry in ClinVar:

ClinVar aggregate classification (germline): Likely benign. Review status: criteria provided, single submitter (1 of 4 stars). 2 submissions from 2 submitters: Likely benign (1). 1 of the submissions does not count toward it. Last evaluated 2025-07-11.

Conditions:
KLF11-related disorder. Also called: KLF11-related condition.

Allele frequency attached by ClinVar (database versions not stated): ESP Exome Variant Server 0.00054; gnomAD 0.00071; gnomAD exomes 0.00006; ExAC 0.00018; 1000 Genomes Project 30x 0.00031; 1000 Genomes Project 0.00040; TOPMed 0.00071.

Submissions (2):

Labcorp Genetics (formerly Invitae), Labcorp
Classification: Likely benign. Last evaluated: 2025-07-11. Review status: criteria provided, single submitter. Criteria: Invitae Variant Classification Sherloc (09022015). Collection method: clinical testing. Allele origin: germline.

PreventionGenetics, part of Exact Sciences
Classification: Likely benign for KLF11-related condition. Last evaluated: 2023-11-21. Review status: no assertion criteria provided. Collection method: clinical testing. Allele origin: germline. Not counted in ClinVar's aggregate classification.
Comment: This variant is classified as likely benign based on ACMG/AMP sequence variant interpretation guidelines (Richards et al. 2015 PMID: 25741868, with internal and published modifications).

NM_003597.5(KLF11):c.1429A>G (p.Met477Val)

Gene: KLF11 (KLF transcription factor 11; plus strand). Cytogenetic location: 2p25.1.
Variant type: single nucleotide variant.
Coding change: c.1429A>G on transcript NM_003597.5 (MANE Select); coding-DNA position 1429, A replaced by G.
Protein change: p.Met477Val; replaces methionine 477 with valine.
Molecular consequence: missense variant.
Genome position (GRCh38, 1-based): chr2:10,052,397, A>G. VCF-style: chr2-10052397-A-G. GRCh37 (hg19) VCF-style: chr2-10192524-A-G.
Other names: c.1429A>G (NM_003597.4); c.1378A>G, p.Met460Val (NM_001177716.2, NM_001177718.2); short protein forms M477V, M460V.
Identifiers: ClinVar variation 2721342 (VCV002721342.5), dbSNP rs151292984, ClinGen allele CA1525783.